The following is an entry in ClinVar:

ClinVar aggregate classification (germline): Conflicting classifications of pathogenicity. Review status: criteria provided, conflicting classifications (1 of 4 stars). 5 submissions from 5 submitters: Uncertain significance (1); Benign (1); Likely benign (3). Last evaluated 2026-09-01.

Conditions:
Hypophosphatemic rickets, autosomal recessive, 1 (ARHR1). Also called: HYPOPHOSPHATEMIA, AUTOSOMAL RECESSIVE. Identifiers: Orphanet 289176, MedGen C4551495, MONDO:0009430, OMIM 241520. Disease mechanism: loss of function.

Allele frequency attached by ClinVar (database versions not stated): 1000 Genomes Project 0.00180; 1000 Genomes Project 30x 0.00219; gnomAD exomes 0.00238 and 0.00390; gnomAD 0.00244 and 0.00248; TOPMed 0.00249; ESP Exome Variant Server 0.00269; ExAC 0.00271.
gnomAD v4.1: 5,973 of 1,613,070 alleles (0.37%); highest among the groups gnomAD compares: Non-Finnish European, 0.47%; 18 homozygotes.

Submissions (5):

CeGaT Center for Human Genetics Tuebingen
Classification: Likely benign. Last evaluated: 2026-09-01. Review status: criteria provided, single submitter. Criteria: CeGaT Center For Human Genetics Tuebingen Variant Classification Criteria Version 2. Collection method: clinical testing. Allele origin: germline. Affected: yes. Observed: 2 variant alleles.
Comment: DMP1: BP4, BP7, BS2

Labcorp Genetics (formerly Invitae), Labcorp
Classification: Benign. Last evaluated: 2026-01-27. Review status: criteria provided, single submitter. Criteria: Invitae Variant Classification Sherloc (09022015). Collection method: clinical testing. Allele origin: germline.

Blueprint Genetics
Classification: Likely benign. Last evaluated: 2024-11-07. Review status: criteria provided, single submitter. Criteria: ACMG Guidelines, 2015. Collection method: clinical testing. Allele origin: germline.

Illumina Laboratory Services, Illumina
Classification: Uncertain significance for Hypophosphatemic rickets, autosomal recessive, 1. Last evaluated: 2017-07-02. Review status: criteria provided, single submitter. Criteria: ICSL Variant Classification Criteria 13 December 2019. Collection method: clinical testing. Allele origin: germline.
Comment: This variant was observed as part of a predisposition screen in an ostensibly healthy population. A literature search was performed for the gene, cDNA change, and amino acid change (where applicable). Publications were found based on this search. However, the evidence from the literature, in combination with allele frequency data from public databases where available, was not sufficient to rule this variant in or out of causing disease. Therefore, this variant is classified as a variant of unknown significance.

Eurofins Ntd Llc (ga)
Classification: Likely benign. Last evaluated: 2015-02-11. Review status: criteria provided, single submitter. Criteria: EGL Classification Definitions 2015. Collection method: clinical testing. Allele origin: germline. Observed: 1 variant allele, 1 heterozygote.

Literature cited by the submitters: PubMed 21050253 (cited by Illumina Laboratory Services, Illumina).

NM_004407.4(DMP1):c.879T>C (p.Ser293=)

Genes: DMP1 (dentin matrix acidic phosphoprotein 1; plus strand), DMP1-AS1 (DMP1 and DSPP antisense RNA 1; minus strand). Cytogenetic location: 4q22.1.
Variant type: single nucleotide variant.
Coding change: c.879T>C on transcript NM_004407.4 (MANE Select); coding-DNA position 879, T replaced by C.
Protein change: p.Ser293=; no amino-acid change (serine 293 retained).
Molecular consequence: synonymous variant.
Genome position (GRCh38, 1-based): chr4:87,662,657, T>C. VCF-style: chr4-87662657-T-C. GRCh37 (hg19) VCF-style: chr4-88583809-T-C.
Other names: c.831T>C, p.Ser277= (NM_001079911.3).
Identifiers: ClinVar variation 198171 (VCV000198171.21), dbSNP rs150896376, ClinGen allele CA203292.